The following is an entry in ClinVar:

ClinVar aggregate classification (germline): Benign (0 of 4 stars; one submission).

Conditions:
ALKBH8-related disorder. Also called: ALKBH8-related condition.

Allele frequency attached by ClinVar (database versions not stated): gnomAD exomes 0.00118; ExAC 0.00395; gnomAD 0.01112; 1000 Genomes Project 0.01138; 1000 Genomes Project 30x 0.01156; ESP Exome Variant Server 0.01293; TOPMed 0.01306.
gnomAD v4.1: 3,484 of 1,612,786 alleles (0.22%); highest among the groups gnomAD compares: African/African-American, 3.9%; 61 homozygotes.

Submission:

PreventionGenetics, part of Exact Sciences
Classification: Benign for ALKBH8-related condition. Last evaluated: 2019-11-14. Review status: no assertion criteria provided. Collection method: clinical testing. Allele origin: germline.
Comment: This variant is classified as benign based on ACMG/AMP sequence variant interpretation guidelines (Richards et al. 2015 PMID: 25741868, with internal and published modifications).

NM_138775.3(ALKBH8):c.368-5C>T

Gene: ALKBH8 (alkB homolog 8, tRNA methyltransferase; minus strand). Cytogenetic location: 11q22.3.
Variant type: single nucleotide variant.
Coding change: c.368-5C>T on transcript NM_138775.3 (MANE Select); 5 bases into the intron before coding-DNA position 368, C replaced by T.
Molecular consequence: intron variant.
Genome position (GRCh38, 1-based): chr11:107,553,983, G>A on the plus strand (C>T on the coding strand, the complement: ALKBH8 is on the minus strand). VCF-style: chr11-107553983-G-A. GRCh37 (hg19) VCF-style: chr11-107424709-G-A.
Other names: c.368-5C>T (NM_001378133.1, NM_001301010.3).
Identifiers: ClinVar variation 3038278 (VCV003038278.2), dbSNP rs79011605, ClinGen allele CA6261246.